The following is an entry in ClinVar:

ClinVar aggregate classification (germline): Likely benign. Review status: criteria provided, single submitter (1 of 4 stars). 2 submissions from 2 submitters: Likely benign (1). 1 of the submissions does not count toward it. Last evaluated 2026-01-18.

Conditions:
CDH23-related disorder. Also called: CDH23-related condition; CDH23-related disorders.

Allele frequency attached by ClinVar (database versions not stated): ExAC 0.00001; ESP Exome Variant Server 0.00016; gnomAD exomes 0.00001; gnomAD 0.00009 and 0.00011.
gnomAD v4.1: 21 of 1,613,792 alleles (0.0013%); highest among the groups gnomAD compares: African/African-American, 0.021%; no homozygotes.

Submissions (2):

Labcorp Genetics (formerly Invitae), Labcorp
Classification: Likely benign. Last evaluated: 2026-01-18. Review status: criteria provided, single submitter. Criteria: Invitae Variant Classification Sherloc (09022015). Collection method: clinical testing. Allele origin: germline.

PreventionGenetics, part of Exact Sciences
Classification: Likely benign for CDH23-related condition. Last evaluated: 2024-08-19. Review status: no assertion criteria provided. Collection method: clinical testing. Allele origin: germline. Not counted in ClinVar's aggregate classification.
Comment: This variant is classified as likely benign based on ACMG/AMP sequence variant interpretation guidelines (Richards et al. 2015 PMID: 25741868, with internal and published modifications).

NM_022124.6(CDH23):c.3431-9T>C

Genes: C10orf105 (chromosome 10 open reading frame 105; minus strand), CDH23 (cadherin related 23; plus strand). Cytogenetic location: 10q22.1.
Variant type: single nucleotide variant.
Coding change: c.3431-9T>C on transcript NM_022124.6 (MANE Select); 9 bases into the intron before coding-DNA position 3431, T replaced by C.
Molecular consequence: intron variant.
Genome position (GRCh38, 1-based): chr10:71,725,363, T>C. VCF-style: chr10-71725363-T-C. GRCh37 (hg19) VCF-style: chr10-73485120-T-C.
Other names: c.3431-9T>C (NM_001171930.2); c.-5-9021A>G (NM_001168390.2).
Identifiers: ClinVar variation 1104022 (VCV001104022.10), dbSNP rs375278975, ClinGen allele CA5544729.